The following is an entry in ClinVar:

ClinVar aggregate classification (germline): Uncertain significance (1 of 4 stars; one submission).

Submission:

Labcorp Genetics (formerly Invitae), Labcorp
Classification: Uncertain significance. Last evaluated: 2024-04-02. Review status: criteria provided, single submitter. Criteria: Invitae Variant Classification Sherloc (09022015). Collection method: clinical testing. Allele origin: germline.
Comment: This variant, c.510_569del, results in the deletion of 20 amino acid(s) of the MAGEL2 protein (p.Val180_Met199del), but otherwise preserves the integrity of the reading frame. The frequency data for this variant in the population databases is considered unreliable, as metrics indicate poor data quality at this position in the gnomAD database. This variant has not been reported in the literature in individuals affected with MAGEL2-related conditions. Experimental studies and prediction algorithms are not available or were not evaluated, and the functional significance of this variant is currently unknown. In summary, the available evidence is currently insufficient to determine the role of this variant in disease. Therefore, it has been classified as a Variant of Uncertain Significance.

NM_019066.5(MAGEL2):c.510_569del (p.Val180_Met199del)

Gene: MAGEL2 (MAGE family member L2; minus strand). Cytogenetic location: 15q11.2.
Variant type: Deletion.
Coding change: c.510_569del on transcript NM_019066.5 (MANE Select); coding-DNA positions 510 to 569, 60 bases deleted.
Protein change: p.Val180_Met199del.
Molecular consequence: inframe deletion.
Genome position (GRCh38, 1-based): chr15:23,647,174-23,647,233, 60 bases deleted. GRCh37 (hg19): chr15:23,892,350-23,892,409.
Identifiers: ClinVar variation 3624429 (VCV003624429.2).